The following is an entry in ClinVar:

NM_147127.5(EVC2):c.2938G>A (p.Glu980Lys)

Gene: EVC2 (EvC ciliary complex subunit 2; minus strand). Cytogenetic location: 4p16.2.
Variant type: single nucleotide variant.
Coding change: c.2938G>A on transcript NM_147127.5 (MANE Select); coding-DNA position 2938, G replaced by A.
Protein change: p.Glu980Lys; replaces glutamic acid 980 with lysine.
Molecular consequence: missense variant.
Genome position (GRCh38, 1-based): chr4:5,584,742, C>T on the plus strand (G>A on the coding strand, the complement: EVC2 is on the minus strand). VCF-style: chr4-5584742-C-T. GRCh37 (hg19) VCF-style: chr4-5586469-C-T.
Other names: c.2698G>A, p.Glu900Lys (NM_001166136.2); short protein forms E980K, E900K.
Identifiers: ClinVar variation 2166859 (VCV002166859.2), dbSNP rs755614931, ClinGen allele CA2834513.
Genomic context (GRCh38, chr4:5,584,742, plus strand): 5'-TCAGCTCTTCCAGGAGCAAGTCCTGGATGCTGAGGAGGGCGGTGTAGGCCGACAGAGTCT[C>T]GGTCACCCGGGACGCCTTCTGGAACTGCAGAGCAACAAGCGACTGTGCAAAGCCTCCCTC-3'
Protein context (NP_667338.3, residues 970-990): LQFQKASRVT[Glu980Lys]TLSAYTALLS

ClinVar aggregate classification (germline): Uncertain significance (1 of 4 stars; one submission).

Conditions:
Ellis-van Creveld syndrome (EVC). Also called: EVC-Related Ellis-van Creveld Syndrome; EVC2-Related Ellis-van Creveld Syndrome; Chondroectodermal dysplasia; MESOECTODERMAL DYSPLASIA. Identifiers: Orphanet 289, MedGen C0013903, MONDO:0009162, OMIM 225500.
Curry-Hall syndrome (WAD). Also called: WEYERS ACRODENTAL DYSOSTOSIS. Identifiers: Orphanet 952, MedGen C0457013, MONDO:0008673, OMIM 193530.

Allele frequency attached by ClinVar (database versions not stated): gnomAD 0.00001; ExAC 0.00002.
gnomAD v4.1: 7 of 1,614,038 alleles (0.00043%); highest among the groups gnomAD compares: South Asian, 0.0011%; no homozygotes.

Submission:

Labcorp Genetics (formerly Invitae), Labcorp
Classification: Uncertain significance for Curry-Hall syndrome; Ellis-van Creveld syndrome. Last evaluated: 2024-12-02. Review status: criteria provided, single submitter. Criteria: Invitae Variant Classification Sherloc (09022015). Collection method: clinical testing. Allele origin: germline.
Comment: This sequence change replaces glutamic acid, which is acidic and polar, with lysine, which is basic and polar, at codon 980 of the EVC2 protein (p.Glu980Lys). This variant is present in population databases (rs755614931, gnomAD 0.006%). This variant has not been reported in the literature in individuals affected with EVC2-related conditions. ClinVar contains an entry for this variant (Variation ID: 2166859). An algorithm developed to predict the effect of missense changes on protein structure and function outputs the following: PolyPhen-2: "Benign". The lysine amino acid residue is found in multiple mammalian species, which suggests that this missense change does not adversely affect protein function. In summary, the available evidence is currently insufficient to determine the role of this variant in disease. Therefore, it has been classified as a Variant of Uncertain Significance.